The following is an entry in ClinVar:

NM_005055.5(RAPSN):c.173G>A (p.Arg58His)

Gene: RAPSN (receptor associated protein of the synapse; minus strand). Cytogenetic location: 11p11.2.
Variant type: single nucleotide variant.
Coding change: c.173G>A on transcript NM_005055.5 (MANE Select); coding-DNA position 173, G replaced by A.
Protein change: p.Arg58His; replaces arginine 58 with histidine.
Molecular consequence: missense variant.
Genome position (GRCh38, 1-based): chr11:47,448,792, C>T on the plus strand (G>A on the coding strand, the complement: RAPSN is on the minus strand). VCF-style: chr11-47448792-C-T. GRCh37 (hg19) VCF-style: chr11-47470344-C-T.
Other names: c.173G>A, p.Arg58His (NM_032645.5); short protein forms R58H.
Identifiers: ClinVar variation 1409284 (VCV001409284.5), dbSNP rs373437117, ClinGen allele CA221723250.

ClinVar aggregate classification (germline): Uncertain significance (1 of 4 stars; one submission).

Conditions:
Fetal akinesia deformation sequence 1 (FADS1). Also called: Pena-Shokeir syndrome type I; Fetal akinesia sequence. Identifiers: Orphanet 994, MedGen C1276035, MONDO:0100101, OMIM 208150, HP:0001989.
Congenital myasthenic syndrome 11. Also called: Myasthenic syndrome, congenital, 11, associated with acetylcholine receptor deficiency; MYASTHENIC SYNDROME, CONGENITAL, Ie. Identifiers: Orphanet 590, MedGen C4225367, MONDO:0014588, OMIM 616326.

gnomAD v4.1: 12 of 1,611,430 alleles (0.00074%); highest among the groups gnomAD compares: Non-Finnish European, 0.001%; no homozygotes.

Submission:

Labcorp Genetics (formerly Invitae), Labcorp
Classification: Uncertain significance for Congenital myasthenic syndrome 11; Fetal akinesia deformation sequence 1. Last evaluated: 2021-09-24. Review status: criteria provided, single submitter. Criteria: Invitae Variant Classification Sherloc (09022015). Collection method: clinical testing. Allele origin: germline.
Comment: This sequence change replaces arginine with histidine at codon 58 of the RAPSN protein (p.Arg58His). The arginine residue is highly conserved and there is a small physicochemical difference between arginine and histidine. This variant is not present in population databases (ExAC no frequency). This variant has not been reported in the literature in individuals with RAPSN-related conditions. Algorithms developed to predict the effect of missense changes on protein structure and function are either unavailable or do not agree on the potential impact of this missense change (SIFT: "Deleterious"; PolyPhen-2: "Benign"; Align-GVGD: "Class C0"). In summary, the available evidence is currently insufficient to determine the role of this variant in disease. Therefore, it has been classified as a Variant of Uncertain Significance.